The following is an entry in ClinVar:

ClinVar aggregate classification (germline): Uncertain significance. Review status: criteria provided, multiple submitters, no conflicts (2 of 4 stars). 6 submissions from 6 submitters: Uncertain significance (5). 1 of the submissions does not count toward it. Last evaluated 2026-01-07.

Conditions:
PLEC-related disorder. Also called: PLEC-related condition; PLEC-related disorders.
Epidermolysis bullosa simplex 5B, with muscular dystrophy (EBS5B). Also called: EPIDERMOLYSIS BULLOSA SIMPLEX AND LIMB-GIRDLE MUSCULAR DYSTROPHY; Epidermolysis bullosa simplex with muscular dystrophy. Identifiers: Orphanet 257, MedGen C2931072, MONDO:0009181, OMIM 226670.
Epidermolysis bullosa simplex with nail dystrophy (EBS5D). Identifiers: MedGen C4225309, MONDO:0014661, OMIM 616487.
Autosomal recessive limb-girdle muscular dystrophy type 2Q (LGMDR17). Also called: MUSCULAR DYSTROPHY, LIMB-GIRDLE, AUTOSOMAL RECESSIVE 17. Identifiers: Orphanet 254361, MedGen C3150989, MONDO:0013390, OMIM 613723.
Epidermolysis bullosa simplex 5C, with pyloric atresia (EBS5C). Also called: PLEC1-Related Epidermolysis Bullosa with Pyloric Atresia; PLEC-Related Epidermolysis Bullosa with Pyloric Atresia; Epidermolysis bullosa simplex with pyloric atresia. Identifiers: Orphanet 158684, MedGen C2677349, MONDO:0012807, OMIM 612138.
Epidermolysis bullosa simplex, Ogna type (EBS5A). Also called: Pidermolysis bullosa simplex 5A, Ogna type; EPIDERMOLYSIS BULLOSA SIMPLEX 5A, OGNA TYPE. Identifiers: Orphanet 79401, MedGen C0432317, MONDO:0007555, OMIM 131950.
Inborn genetic diseases. Identifiers: MedGen C0950123, MeSH D030342.

Allele frequency attached by ClinVar (database versions not stated): gnomAD exomes 0.00014 and 0.00033; ExAC 0.00047; gnomAD 0.00050 and 0.00052; TOPMed 0.00061; 1000 Genomes Project 30x 0.00078; ESP Exome Variant Server 0.00079; 1000 Genomes Project 0.00080.
gnomAD v4.1: 285 of 1,593,074 alleles (0.018%); highest among the groups gnomAD compares: East Asian, 0.24%; 3 homozygotes.

Submissions (6):

Labcorp Genetics (formerly Invitae), Labcorp
Classification: Uncertain significance for Autosomal recessive limb-girdle muscular dystrophy type 2Q; Epidermolysis bullosa simplex, Ogna type; Epidermolysis bullosa simplex with nail dystrophy; Epidermolysis bullosa simplex 5C, with pyloric atresia; Epidermolysis bullosa simplex 5B, with muscular dystrophy. Last evaluated: 2026-01-07. Review status: criteria provided, single submitter. Criteria: Invitae Variant Classification Sherloc (09022015). Collection method: clinical testing. Allele origin: germline.
Comment: This sequence change replaces alanine, which is neutral and non-polar, with threonine, which is neutral and polar, at codon 1868 of the PLEC protein (p.Ala1868Thr). This variant is present in population databases (rs201657125, gnomAD 0.2%). This variant has not been reported in the literature in individuals affected with PLEC-related conditions. ClinVar contains an entry for this variant (Variation ID: 282455). An algorithm developed to predict the effect of missense changes on protein structure and function outputs the following: PolyPhen-2: "Not Available". The threonine amino acid residue is found in multiple mammalian species, which suggests that this missense change does not adversely affect protein function. In summary, the available evidence is currently insufficient to determine the role of this variant in disease. Therefore, it has been classified as a Variant of Uncertain Significance.

Revvity Omics, Revvity
Classification: Uncertain significance. Last evaluated: 2025-05-07. Review status: criteria provided, single submitter. Criteria: ACMG Guidelines, 2015. Collection method: clinical testing. Allele origin: germline.

Ambry Genetics
Classification: Uncertain significance for Inborn genetic diseases. Last evaluated: 2022-07-12. Review status: criteria provided, single submitter. Criteria: Ambry Variant Classification Scheme 2023. Collection method: clinical testing. Allele origin: germline.

GeneDx
Classification: Uncertain significance. Last evaluated: 2020-01-08. Review status: criteria provided, single submitter. Criteria: GeneDx Variant Classification Process June 2021. Collection method: clinical testing. Allele origin: germline. Affected: yes.
Comment: Has not been previously published as pathogenic or benign to our knowledge; Missense variant in a gene in which most reported pathogenic variants are truncating/loss-of-function

Eurofins Ntd Llc (ga)
Classification: Uncertain significance. Last evaluated: 2015-10-13. Review status: criteria provided, single submitter. Criteria: EGL Classification Definitions 2015. Collection method: clinical testing. Allele origin: germline. Observed: 2 variant alleles, 2 heterozygotes.

PreventionGenetics, part of Exact Sciences
Classification: Likely benign for PLEC-related condition. Last evaluated: 2023-09-14. Review status: no assertion criteria provided. Collection method: clinical testing. Allele origin: germline. Not counted in ClinVar's aggregate classification.
Comment: This variant is classified as likely benign based on ACMG/AMP sequence variant interpretation guidelines (Richards et al. 2015 PMID: 25741868, with internal and published modifications).

NM_201384.3(PLEC):c.5521G>A (p.Ala1841Thr)

Gene: PLEC (plectin; minus strand). Cytogenetic location: 8q24.3.
Variant type: single nucleotide variant.
Coding change: c.5521G>A on transcript NM_201384.3 (MANE Select); coding-DNA position 5521, G replaced by A.
Protein change: p.Ala1841Thr; replaces alanine 1841 with threonine.
Molecular consequence: missense variant.
Genome position (GRCh38, 1-based): chr8:143,924,408, C>T on the plus strand (G>A on the coding strand, the complement: PLEC is on the minus strand). VCF-style: chr8-143924408-C-T. GRCh37 (hg19) VCF-style: chr8-144998576-C-T.
Other names: c.5602G>A, p.Ala1868Thr (NM_000445.5); c.5479G>A, p.Ala1827Thr (NM_201378.4); c.5455G>A, p.Ala1819Thr (NM_201379.3); c.5932G>A, p.Ala1978Thr (NM_201380.4); c.5425G>A, p.Ala1809Thr (NM_201381.3); c.5521G>A, p.Ala1841Thr (NM_201382.4); c.5533G>A, p.Ala1845Thr (NM_201383.3); short protein forms A1827T, A1868T, A1841T, A1819T, A1978T, A1809T, A1845T.
Identifiers: ClinVar variation 282455 (VCV000282455.26), dbSNP rs201657125, ClinGen allele CA4926338.